The following is an entry in ClinVar:

ClinVar aggregate classification (germline): Uncertain significance (1 of 4 stars; one submission).

Allele frequency attached by ClinVar (database versions not stated): gnomAD exomes below 0.00001; ExAC 0.00002.
gnomAD v4.1: 4 of 1,599,416 alleles (0.00025%); highest among the groups gnomAD compares: Admixed American, 0.0069%; no homozygotes.

Submission:

Labcorp Genetics (formerly Invitae), Labcorp
Classification: Uncertain significance. Last evaluated: 2022-10-18. Review status: criteria provided, single submitter. Criteria: Invitae Variant Classification Sherloc (09022015). Collection method: clinical testing. Allele origin: germline.
Comment: This sequence change replaces alanine, which is neutral and non-polar, with glycine, which is neutral and non-polar, at codon 330 of the DNA2 protein (p.Ala330Gly). This variant is present in population databases (rs748704021, gnomAD 0.006%). This variant has not been reported in the literature in individuals affected with DNA2-related conditions. Advanced modeling of protein sequence and biophysical properties (such as structural, functional, and spatial information, amino acid conservation, physicochemical variation, residue mobility, and thermodynamic stability) performed at Invitae indicates that this missense variant is not expected to disrupt DNA2 protein function. In summary, the available evidence is currently insufficient to determine the role of this variant in disease. Therefore, it has been classified as a Variant of Uncertain Significance.

NM_001080449.3(DNA2):c.989C>G (p.Ala330Gly)

Gene: DNA2 (DNA replication helicase/nuclease 2; minus strand). Cytogenetic location: 10q21.3.
Variant type: single nucleotide variant.
Coding change: c.989C>G on transcript NM_001080449.3 (MANE Select); coding-DNA position 989, C replaced by G.
Protein change: p.Ala330Gly; replaces alanine 330 with glycine.
Molecular consequence: missense variant. On other transcripts: non-coding transcript variant (1).
Genome position (GRCh38, 1-based): chr10:68,446,364, G>C on the plus strand (C>G on the coding strand, the complement: DNA2 is on the minus strand). VCF-style: chr10-68446364-G-C. GRCh37 (hg19) VCF-style: chr10-70206121-G-C.
Other names: short protein forms A330G.
Identifiers: ClinVar variation 2416826 (VCV002416826.6), dbSNP rs748704021, ClinGen allele CA5525164.